The following is an entry in ClinVar:

ClinVar aggregate classification (germline): Uncertain significance (1 of 4 stars; one submission).

gnomAD v4.1: 2 of 1,614,132 alleles (0.00012%); highest among the groups gnomAD compares: South Asian, 0.0011%; no homozygotes.

Submission:

Labcorp Genetics (formerly Invitae), Labcorp
Classification: Uncertain significance. Last evaluated: 2024-12-15. Review status: criteria provided, single submitter. Criteria: Invitae Variant Classification Sherloc (09022015). Collection method: clinical testing. Allele origin: germline.
Comment: This sequence change replaces valine, which is neutral and non-polar, with alanine, which is neutral and non-polar, at codon 33 of the RP1 protein (p.Val33Ala). This variant is not present in population databases (gnomAD no frequency). This variant has not been reported in the literature in individuals affected with RP1-related conditions. An algorithm developed to predict the effect of missense changes on protein structure and function (PolyPhen-2) suggests that this variant is likely to be tolerated. In summary, the available evidence is currently insufficient to determine the role of this variant in disease. Therefore, it has been classified as a Variant of Uncertain Significance.

NM_006269.2(RP1):c.98T>C (p.Val33Ala)

Gene: RP1 (RP1 axonemal microtubule associated; plus strand). Cytogenetic location: 8q12.1.
Variant type: single nucleotide variant.
Coding change: c.98T>C on transcript NM_006269.2 (MANE Select); coding-DNA position 98, T replaced by C.
Protein change: p.Val33Ala; replaces valine 33 with alanine.
Molecular consequence: missense variant.
Genome position (GRCh38, 1-based): chr8:54,621,064, T>C. VCF-style: chr8-54621064-T-C. GRCh37 (hg19) VCF-style: chr8-55533624-T-C.
Other names: c.98T>C, p.Val33Ala (NM_001375654.1); short protein forms V33A.
Identifiers: ClinVar variation 3691760 (VCV003691760.2).